The following is an entry in ClinVar:

NM_002617.4(PEX10):c.335_343del (p.Pro112_Glu114del)

Gene: PEX10 (peroxisomal biogenesis factor 10; minus strand). Cytogenetic location: 1p36.32.
Variant type: Deletion.
Coding change: c.335_343del on transcript NM_002617.4 (MANE Select); coding-DNA positions 335 to 343, 9 bases deleted (CCCTGGAGC; older notation c.335_343delCCCTGGAGC).
Protein change: p.Pro112_Glu114del.
Molecular consequence: inframe deletion. On other transcripts: 5 prime UTR variant (2), non-coding transcript variant (1).
Genome position (GRCh38, 1-based): chr1:2,408,709-2,408,717, GCTCCAGGG deleted on the plus strand (CCCTGGAGC on the coding strand, the reverse complement: PEX10 is on the minus strand); deleting any 9 consecutive bases within chr1:2,408,709-2,408,718 gives the same sequence; the c. name uses the placement nearest the transcript's 3' end. VCF-style (leftmost placement, unchanged base first): chr1-2408708-TGCTCCAGGG-T. GRCh37 (hg19) VCF-style: chr1-2340147-TGCTCCAGGG-T.
Other names: c.335_343del, p.Pro112_Glu114del (NM_001374425.1, NM_153818.2); c.-98_-90del (NM_001374426.1, NM_001374427.1).
Identifiers: ClinVar variation 5003802 (VCV005003802.1).

ClinVar aggregate classification (germline): Uncertain significance (1 of 4 stars; one submission).

Conditions:
Peroxisome biogenesis disorder. Identifiers: Orphanet 79189, MedGen C1832200, MONDO:0019234. Disease mechanism: loss of function.

Submission:

Myriad Genetics, Inc.
Classification: Uncertain significance for Peroxisome biogenesis disorder. Last evaluated: 2026-07-20. Review status: criteria provided, single submitter. Criteria: Myriad Autosomal Dominant, Autosomal Recessive and X-Linked Classification Criteria (2023). Collection method: clinical testing. Allele origin: unknown.
Comment: NM_153818.1(PEX10):c.335_343del9(P112_E114del) is an in-frame deletion classified as a variant of uncertain significance in the context of peroxisome biogenesis disorder type 6. P112_E114del has not been observed in cases with relevant disease. Relevant functional assessments of this variant are not available in the literature. P112_E114del has not been observed in referenced population frequency databases. In summary, there is insufficient evidence to classify NM_153818.1(PEX10):c.335_343del9(P112_E114del) as pathogenic or benign. Please note: this variant was assessed in the context of healthy population screening.